The following is an entry in ClinVar:

ClinVar aggregate classification (germline): Likely pathogenic (1 of 4 stars; one submission).

Conditions:
Rare genetic deafness. Identifiers: Orphanet 96210, MedGen C5680250.

Submission:

Laboratory for Molecular Medicine, Mass General Brigham Personalized Medicine
Classification: Likely pathogenic for Rare genetic deafness. Last evaluated: 2016-02-01. Review status: criteria provided, single submitter. Criteria: ACMG Guidelines, 2015. Collection method: clinical testing. Allele origin: germline. Inheritance: Autosomal recessive inheritance.
Comment: The p.Arg1602GlyfsX2 variant in OTOG has not been previously reported in individuals with hearing loss and data from large population studies is insufficient to assess the frequency of this variant. This variant is predicted to cause a frameshift, which alters the protein’s amino acid sequence beginning at position 1602 and leads to a premature termination codon 2 amino acids downstream. Two loss of function variants in the OTOG gene have been reported to segregate with hearing loss in two families (Schraders 2012), and disruption of Otog in mice resulted in deafness supporting of a loss-of-function mechanism for the disease (Simmler 2000). While these two studies provide evidence of a causative link between loss of function of OTOG and hearing loss, to date, no other publications report on OTOG variants in individuals with hearing loss. In summary, although additional evidence is required to strengthen the gene-disease association for OTOG and hearing loss, the current data supports a likely pathogenic role for the p.Tyr830X variant.

Literature cited by the submitters: PubMed 23122587; PubMed 11178734.

NM_001292063.2(OTOG):c.4768del (p.Arg1590fs)

Gene: OTOG (otogelin; plus strand). Cytogenetic location: 11p15.1.
Variant type: Deletion.
Coding change: c.4768del on transcript NM_001292063.2 (MANE Select); coding-DNA position 4768, one base deleted (A; older notation c.4768delA).
Protein change: p.Arg1590fs; shifts the reading frame from arginine 1590.
Molecular consequence: frameshift variant.
Genome position (GRCh38, 1-based): chr11:17,610,068, A deleted; the last of 2 consecutive A bases (chr11:17,610,067-17,610,068); deleting either gives the same sequence. VCF-style (leftmost placement, unchanged base first): chr11-17610066-CA-C. GRCh37 (hg19) VCF-style: chr11-17631613-CA-C.
Other names: c.4804del, p.Arg1602fs (NM_001277269.2); short protein forms R1590fs, R1602fs.
Identifiers: ClinVar variation 3076014 (VCV003076014.1), dbSNP rs2497531947, ClinGen allele CA2825001876.